The following is an entry in ClinVar:

NM_000135.4(FANCA):c.3339C>G (p.Asn1113Lys)

Gene: FANCA (FA complementation group A; minus strand). Cytogenetic location: 16q24.3.
Variant type: single nucleotide variant.
Coding change: c.3339C>G on transcript NM_000135.4 (MANE Select); coding-DNA position 3339, C replaced by G.
Protein change: p.Asn1113Lys; replaces asparagine 1113 with lysine.
Molecular consequence: missense variant.
Genome position (GRCh38, 1-based): chr16:89,748,668, G>C on the plus strand (C>G on the coding strand, the complement: FANCA is on the minus strand). VCF-style: chr16-89748668-G-C. GRCh37 (hg19) VCF-style: chr16-89815076-G-C.
Other names: c.3339C>G, p.Asn1113Lys (NM_001286167.3); short protein forms N1113K.
Identifiers: ClinVar variation 974351 (VCV000974351.6), dbSNP rs1236607168, ClinGen allele CA397486197.

ClinVar aggregate classification (germline): Uncertain significance. Review status: criteria provided, single submitter (1 of 4 stars). 2 submissions from 2 submitters: Uncertain significance (1). 1 of the submissions does not count toward it. Last evaluated 2021-08-30.

Conditions:
Fanconi anemia (FA). Also called: Fanconi's anemia. Identifiers: Orphanet 84, MedGen C0015625, MeSH D005199, MONDO:0019391.
Fanconi anemia complementation group A (FANCA). Also called: Fanconi anemia, group A; FANCA-Related Fanconi Anemia. Identifiers: Orphanet 84, MedGen C3469521, MONDO:0009215, OMIM 227650.

Allele frequency attached by ClinVar (database versions not stated): TOPMed below 0.00001.

Submissions (2):

Labcorp Genetics (formerly Invitae), Labcorp
Classification: Uncertain significance for Fanconi anemia. Last evaluated: 2021-08-30. Review status: criteria provided, single submitter. Criteria: Invitae Variant Classification Sherloc (09022015). Collection method: clinical testing. Allele origin: germline.
Comment: This sequence change replaces asparagine with lysine at codon 1113 of the FANCA protein (p.Asn1113Lys). The asparagine residue is highly conserved and there is a moderate physicochemical difference between asparagine and lysine. This variant is not present in population databases (ExAC no frequency). This variant has not been reported in the literature in individuals affected with FANCA-related conditions. ClinVar contains an entry for this variant (Variation ID: 974351). Algorithms developed to predict the effect of missense changes on protein structure and function are either unavailable or do not agree on the potential impact of this missense change (SIFT: "Deleterious"; PolyPhen-2: "Benign"; Align-GVGD: "Class C15"). In summary, the available evidence is currently insufficient to determine the role of this variant in disease. Therefore, it has been classified as a Variant of Uncertain Significance.

Leiden Open Variation Database
Classification: Uncertain significance for Fanconi anemia complementation group A. Last evaluated: 2020-02-28. Review status: no assertion criteria provided. Collection method: curation. Allele origin: germline. Affected: yes. Not counted in ClinVar's aggregate classification.
Comment: Curator: Arleen D. Auerbach. Submitter to LOVD: Arleen D. Auerbach.